The following is an entry in ClinVar:

NM_173660.5(DOK7):c.143T>C (p.Ile48Thr)

Gene: DOK7 (docking protein 7; plus strand). Cytogenetic location: 4p16.3.
Variant type: single nucleotide variant.
Coding change: c.143T>C on transcript NM_173660.5 (MANE Select); coding-DNA position 143, T replaced by C.
Protein change: p.Ile48Thr; replaces isoleucine 48 with threonine.
Molecular consequence: missense variant. On other transcripts: intron variant (1).
Genome position (GRCh38, 1-based): chr4:3,473,448, T>C. VCF-style: chr4-3473448-T-C. GRCh37 (hg19) VCF-style: chr4-3475175-T-C.
Other names: c.143T>C, p.Ile48Thr (NM_001164673.2, NM_001301071.2); c.100+9897T>C (NM_001363811.2); short protein forms I48T.
Identifiers: ClinVar variation 2053223 (VCV002053223.1), dbSNP rs147359949, ClinGen allele CA2828886.

ClinVar aggregate classification (germline): Uncertain significance (1 of 4 stars; one submission).

Conditions:
Congenital myasthenic syndrome 10. Also called: Myasthenia, limb-girdle, familial. Identifiers: Orphanet 590, MedGen C1850792, MONDO:0009690, OMIM 254300.
Fetal akinesia deformation sequence 1 (FADS1). Also called: Fetal akinesia sequence; Pena-Shokeir syndrome type I. Identifiers: Orphanet 994, MedGen C1276035, MONDO:0100101, OMIM 208150, HP:0001989.

Allele frequency attached by ClinVar (database versions not stated): TOPMed 0.00002; gnomAD 0.00003; ExAC 0.00005; gnomAD exomes 0.00013; 1000 Genomes Project 30x 0.00016; 1000 Genomes Project 0.00020.
gnomAD v4.1: 82 of 1,611,054 alleles (0.0051%); highest among the groups gnomAD compares: East Asian, 0.18%; no homozygotes.

Submission:

Labcorp Genetics (formerly Invitae), Labcorp
Classification: Uncertain significance for Congenital myasthenic syndrome 10; Fetal akinesia deformation sequence 1. Last evaluated: 2022-01-04. Review status: criteria provided, single submitter. Criteria: Invitae Variant Classification Sherloc (09022015). Collection method: clinical testing. Allele origin: germline.
Comment: This sequence change replaces isoleucine, which is neutral and non-polar, with threonine, which is neutral and polar, at codon 48 of the DOK7 protein (p.Ile48Thr). This variant is present in population databases (rs147359949, gnomAD 0.05%). This variant has not been reported in the literature in individuals affected with DOK7-related conditions. Algorithms developed to predict the effect of missense changes on protein structure and function output the following: SIFT: "Tolerated"; PolyPhen-2: "Benign"; Align-GVGD: "Class C0". The threonine amino acid residue is found in multiple mammalian species, which suggests that this missense change does not adversely affect protein function. In summary, the available evidence is currently insufficient to determine the role of this variant in disease. Therefore, it has been classified as a Variant of Uncertain Significance.